The following is an entry in ClinVar:

NM_006946.4(SPTBN2):c.3136G>A (p.Gly1046Ser)

Gene: SPTBN2 (spectrin beta, non-erythrocytic 2; minus strand). Cytogenetic location: 11q13.2.
Variant type: single nucleotide variant.
Coding change: c.3136G>A on transcript NM_006946.4 (MANE Select); coding-DNA position 3136, G replaced by A.
Protein change: p.Gly1046Ser; replaces glycine 1046 with serine.
Molecular consequence: missense variant.
Genome position (GRCh38, 1-based): chr11:66,700,963, C>T on the plus strand (G>A on the coding strand, the complement: SPTBN2 is on the minus strand). VCF-style: chr11-66700963-C-T. GRCh37 (hg19) VCF-style: chr11-66468434-C-T.
Other names: c.3157G>A, p.Gly1053Ser (NM_001411025.1); short protein forms G1046S, G1053S.
Identifiers: ClinVar variation 2662883 (VCV002662883.1), dbSNP rs199703911, ClinGen allele CA6128927.
Genomic context (GRCh38, chr11:66,700,963, plus strand): 5'-GCCGCGCCTCCCCCAGCGACTCTTCTCGACGCCGCATGGTGGCCCTGAGGTCCTCCCAGC[C>T]GGTCTGCACCTCTCTCAGCCGGGCGTTGATGGCCACTGCCTGAGCGGGATGGCCGGCAGC-3'
Protein context (NP_008877.2, residues 1036-1056): INARLREVQT[Gly1046Ser]WEDLRATMRR

ClinVar aggregate classification (germline): Uncertain significance (1 of 4 stars; one submission).

Allele frequency attached by ClinVar (database versions not stated): gnomAD exomes 0.00003; TOPMed 0.00003; gnomAD 0.00005; ExAC 0.00010; 1000 Genomes Project 30x 0.00016.
gnomAD v4.1: 50 of 1,605,864 alleles (0.0031%); highest among the groups gnomAD compares: South Asian, 0.026%; no homozygotes.

Submission:

GeneDx
Classification: Uncertain significance. Last evaluated: 2023-04-14. Review status: criteria provided, single submitter. Criteria: GeneDx Variant Classification Process June 2021. Collection method: clinical testing. Allele origin: germline. Affected: yes.
Comment: In silico analysis supports that this missense variant does not alter protein structure/function; Has not been previously published as pathogenic or benign to our knowledge